The following is an entry in ClinVar:

NM_001379451.1(BCORL1):c.643C>T (p.His215Tyr)

Gene: BCORL1 (BCL6 corepressor like 1; plus strand). Cytogenetic location: Xq26.1.
Variant type: single nucleotide variant.
Coding change: c.643C>T on transcript NM_001379451.1 (MANE Select); coding-DNA position 643, C replaced by T.
Protein change: p.His215Tyr; replaces histidine 215 with tyrosine.
Molecular consequence: missense variant.
Genome position (GRCh38, 1-based): chrX:130,013,415, C>T. VCF-style: chrX-130013415-C-T. GRCh37 (hg19) VCF-style: chrX-129147391-C-T.
Other names: c.643C>T, p.His215Tyr (NM_001184772.3, NM_001379450.1, NM_021946.5); short protein forms H215Y.
Identifiers: ClinVar variation 1312798 (VCV001312798.5), dbSNP rs1929139326, ClinGen allele CA414572268.
Genomic context (GRCh38, chrX:130,013,415, plus strand): 5'-AACTTCAGTCCTCTGCCAGCCCCTATCTGTCCCCCTGCTCCCGGTTCGGCCTCTGTGCCC[C>T]ACTCTGTTCCAGATGCATTCCAGGTTCCCCTCTCCGTCCCTGCCCCAGTCCCCCATTCAG-3'
Protein context (NP_001366380.1, residues 205-225): PPAPGSASVP[His215Tyr]SVPDAFQVPL

ClinVar aggregate classification (germline): Uncertain significance. Review status: criteria provided, multiple submitters, no conflicts (2 of 4 stars). 2 submissions from 2 submitters: Uncertain significance (2). Last evaluated 2025-08-26.

Submissions (2):

GeneDx
Classification: Uncertain significance. Last evaluated: 2025-08-26. Review status: criteria provided, single submitter. Criteria: GeneDx Variant Classification Process June 2021. Collection method: clinical testing. Allele origin: germline. Affected: yes.
Comment: Not observed at significant frequency in large population cohorts (gnomAD); In silico analysis suggests that this missense variant does not alter protein structure/function; Has not been previously published as pathogenic or benign to our knowledge

Illumina Laboratory Services, Illumina
Classification: Uncertain significance. Last evaluated: 2022-08-12. Review status: criteria provided, single submitter. Criteria: ICSL CNVClassificationCriteria Aug2020. Collection method: clinical testing. Allele origin: unknown. Affected: yes.
Comment: The BCORL1 c.643C>T (p.His215Tyr) missense variant results in the substitution of histidine at amino acid position 215 with tyrosine. To our knowledge, this variant has not been reported in the peer-reviewed literature. This variant is not found in version 2.1.1 or version 3.1.2 of the Genome Aggregation Database. Multiple lines of computational evidence suggest the variant does not impact the gene or gene product, though these predictions have not been experimentally confirmed. Based on the available evidence, the c.643C>T (p.His215Tyr) variant is classified as a variant of uncertain significance.